The following is an entry in ClinVar:

NM_000179.3(MSH6):c.3118T>C (p.Phe1040Leu)

Gene: MSH6 (mutS homolog 6; plus strand). Cytogenetic location: 2p16.3.
Variant type: single nucleotide variant.
Coding change: c.3118T>C on transcript NM_000179.3 (MANE Select); coding-DNA position 3118, T replaced by C.
Protein change: p.Phe1040Leu; replaces phenylalanine 1040 with leucine.
Molecular consequence: missense variant.
Genome position (GRCh38, 1-based): chr2:47,801,101, T>C. VCF-style: chr2-47801101-T-C. GRCh37 (hg19) VCF-style: chr2-48028240-T-C.
Other names: c.2728T>C, p.Phe910Leu (NM_001281492.2); c.2212T>C, p.Phe738Leu (NM_001281493.2, NM_001281494.2, NM_001406811.1 and 6 more transcripts); c.3214T>C, p.Phe1072Leu (NM_001406795.1, NM_001406802.1); c.3118T>C, p.Phe1040Leu (NM_001406796.1, NM_001406798.1, NM_001406800.1 and 2 more transcripts); c.2821T>C, p.Phe941Leu (NM_001406797.1, NM_001406801.1, NM_001406805.1 and 10 more transcripts); c.2593T>C, p.Phe865Leu (NM_001406799.1, NM_001406806.1, NM_001406807.1); c.3040T>C, p.Phe1014Leu (NM_001406804.1); c.3124T>C, p.Phe1042Leu (NM_001406813.1); and 2 more; short protein forms F355L, F738L, F941L, F1042L, F1014L, F984L, F1040L, F1072L.
Identifiers: ClinVar variation 1727822 (VCV001727822.3), dbSNP rs2104441181, ClinGen allele CA346756629.

ClinVar aggregate classification (germline): Uncertain significance (1 of 4 stars; one submission).

Conditions:
Hereditary cancer-predisposing syndrome. Also called: Tumor predisposition; Neoplastic Syndromes, Hereditary; Hereditary Cancer Syndrome; Hereditary neoplastic syndrome. Identifiers: Orphanet 140162, MedGen C0027672, MeSH D009386, MONDO:0015356.

Submission:

Ambry Genetics
Classification: Uncertain significance for Hereditary cancer-predisposing syndrome. Last evaluated: 2025-06-09. Review status: criteria provided, single submitter. Criteria: Ambry Variant Classification Scheme 2023. Collection method: clinical testing. Allele origin: germline.
Comment: The p.F1040L variant (also known as c.3118T>C), located in coding exon 4 of the MSH6 gene, results from a T to C substitution at nucleotide position 3118. The phenylalanine at codon 1040 is replaced by leucine, an amino acid with highly similar properties. This amino acid position is highly conserved in available vertebrate species. In addition, this alteration is predicted to be deleterious by in silico analysis. Based on the available evidence, the clinical significance of this variant remains unclear.